The following is an entry in ClinVar:

NM_199242.3(UNC13D):c.3131T>G (p.Leu1044Arg)

Gene: UNC13D (unc-13 homolog D; minus strand). Cytogenetic location: 17q25.1.
Variant type: single nucleotide variant.
Coding change: c.3131T>G on transcript NM_199242.3 (MANE Select); coding-DNA position 3131, T replaced by G.
Protein change: p.Leu1044Arg; replaces leucine 1044 with arginine.
Molecular consequence: missense variant.
Genome position (GRCh38, 1-based): chr17:75,828,807, A>C on the plus strand (T>G on the coding strand, the complement: UNC13D is on the minus strand). VCF-style: chr17-75828807-A-C. GRCh37 (hg19) VCF-style: chr17-73824888-A-C.
Other names: short protein forms L1044R.
Identifiers: ClinVar variation 3902232 (VCV003902232.1).

ClinVar aggregate classification (germline): Uncertain significance (1 of 4 stars; one submission).

gnomAD v4.1: 1 of 1,557,022 alleles (0.000064%); highest among the groups gnomAD compares: Non-Finnish European, 0.000087%; no homozygotes.

Submission:

Women's Health and Genetics/Laboratory Corporation of America, LabCorp
Classification: Uncertain significance. Last evaluated: 2025-05-13. Review status: criteria provided, single submitter. Criteria: LabCorp Variant Classification Summary - May 2015. Collection method: clinical testing. Allele origin: germline.
Comment: Variant summary: UNC13D c.3131T>G (p.Leu1044Arg) results in a non-conservative amino acid change in the encoded protein sequence. Algorithms developed to predict the effect of missense changes on protein structure and function all suggest that this variant is likely to be disruptive. The frequency data for this variant in gnomAD is considered unreliable, as metrics indicate poor data quality at this position. c.3131T>G has been observed in the compound heterozygous state in at least one individual affected with Familial Hemophagocytic Lymphohistiocytosis (Zur Stadt_2006). These data do not allow any conclusion about variant significance. To our knowledge, no experimental evidence demonstrating an impact on protein function has been reported. The following publication have been ascertained in the context of this evaluation (PMID: 16278825). No submitters have cited clinical-significance assessments for this variant to ClinVar. Based on the evidence outlined above, the variant was classified as uncertain significance.

Literature cited by the submitters: PubMed 16278825.